The following is an entry in ClinVar:

ClinVar aggregate classification (germline): Uncertain significance (1 of 4 stars; one submission).

Conditions:
Long QT syndrome (LQTS). Identifiers: MedGen C0023976, MeSH D008133, MONDO:0002442. Disease mechanism: loss of function. Inheritance: Various modes of inheritance.

Submission:

Labcorp Genetics (formerly Invitae), Labcorp
Classification: Uncertain significance for Long QT syndrome. Last evaluated: 2022-02-21. Review status: criteria provided, single submitter. Criteria: Invitae Variant Classification Sherloc (09022015). Collection method: clinical testing. Allele origin: germline.
Comment: In summary, the available evidence is currently insufficient to determine the role of this variant in disease. Therefore, it has been classified as a Variant of Uncertain Significance. Algorithms developed to predict the effect of missense changes on protein structure and function output the following: SIFT: "Tolerated"; PolyPhen-2: "Possibly Damaging"; Align-GVGD: "Class C0". The isoleucine amino acid residue is found in multiple mammalian species, which suggests that this missense change does not adversely affect protein function. This variant has not been reported in the literature in individuals affected with AKAP9-related conditions. This variant is not present in population databases (gnomAD no frequency). This sequence change replaces methionine, which is neutral and non-polar, with isoleucine, which is neutral and non-polar, at codon 3405 of the AKAP9 protein (p.Met3405Ile).

NM_005751.5(AKAP9):c.10215G>C (p.Met3405Ile)

Gene: AKAP9 (A-kinase anchoring protein 9; plus strand). Cytogenetic location: 7q21.2.
Variant type: single nucleotide variant.
Coding change: c.10215G>C on transcript NM_005751.5 (MANE Select); coding-DNA position 10215, G replaced by C.
Protein change: p.Met3405Ile; replaces methionine 3405 with isoleucine.
Molecular consequence: missense variant.
Genome position (GRCh38, 1-based): chr7:92,097,174, G>C. VCF-style: chr7-92097174-G-C. GRCh37 (hg19) VCF-style: chr7-91726488-G-C.
Other names: c.4860G>C, p.Met1620Ile (NM_001379277.1); c.10191G>C, p.Met3397Ile (NM_147185.3); short protein forms M3397I, M1620I, M3405I.
Identifiers: ClinVar variation 2100815 (VCV002100815.4), dbSNP rs2535300927, ClinGen allele CA368154313.